The following is an entry in ClinVar:

NM_198253.3(TERT):c.1958G>A (p.Arg653His)

Gene: TERT (telomerase reverse transcriptase; minus strand). Cytogenetic location: 5p15.33.
Variant type: single nucleotide variant.
Coding change: c.1958G>A on transcript NM_198253.3 (MANE Select); coding-DNA position 1958, G replaced by A.
Protein change: p.Arg653His; replaces arginine 653 with histidine.
Molecular consequence: missense variant. On other transcripts: non-coding transcript variant (2).
Genome position (GRCh38, 1-based): chr5:1,279,463, C>T on the plus strand (G>A on the coding strand, the complement: TERT is on the minus strand). VCF-style: chr5-1279463-C-T. GRCh37 (hg19) VCF-style: chr5-1279578-C-T.
Other names: c.1958G>A, p.Arg653His (NM_001193376.3); short protein forms R653H.
Identifiers: ClinVar variation 942539 (VCV000942539.10), dbSNP rs890242322, ClinGen allele CA112949628.

ClinVar aggregate classification (germline): Likely benign. Review status: criteria provided, multiple submitters, no conflicts (2 of 4 stars). 3 submissions from 3 submitters: Likely benign (2). 1 of the submissions does not count toward it. Last evaluated 2026-07-21.

Conditions:
Idiopathic Pulmonary Fibrosis. Also called: Idiopathic fibrosing alveolitis, chronic form; idiopathic fibrosing alveolitis. Identifiers: Orphanet 2032, MedGen C1800706, MeSH D054990, MONDO:0800504.
Dyskeratosis congenita, autosomal dominant 2. Identifiers: MedGen C3151443, MONDO:0013521, OMIM 613989.
TERT-related disorder. Also called: TERT-related disorders; TERT-related condition.
Dyskeratosis congenita. Identifiers: Orphanet 1775, MedGen C0265965, MONDO:0015780.

Allele frequency attached by ClinVar (database versions not stated): gnomAD 0.00001; gnomAD exomes 0.00001; TOPMed 0.00001.
gnomAD v4.1: 10 of 1,549,322 alleles (0.00065%); highest among the groups gnomAD compares: African/African-American, 0.0055%; no homozygotes.

Submissions (3):

Ambry Genetics
Classification: Likely benign for Dyskeratosis congenita. Last evaluated: 2026-07-21. Review status: criteria provided, single submitter. Criteria: Ambry Variant Classification Scheme 2023. Collection method: clinical testing. Allele origin: germline.

Labcorp Genetics (formerly Invitae), Labcorp
Classification: Likely benign for Dyskeratosis congenita, autosomal dominant 2; Idiopathic Pulmonary Fibrosis. Last evaluated: 2023-10-04. Review status: criteria provided, single submitter. Criteria: Invitae Variant Classification Sherloc (09022015). Collection method: clinical testing. Allele origin: germline.

PreventionGenetics, part of Exact Sciences
Classification: Uncertain significance for TERT-related condition. Last evaluated: 2024-07-02. Review status: no assertion criteria provided. Collection method: clinical testing. Allele origin: germline. Not counted in ClinVar's aggregate classification.
Comment: The TERT c.1958G>A variant is predicted to result in the amino acid substitution p.Arg653His. To our knowledge, this variant has only been reported in one individual with autism spectrum disorder (Fu et al. 2022. PubMed ID: 35982160). This variant is reported in 0.0044% of alleles in individuals of South Asian descent in gnomAD. This variant is classified as likely benign in ClinVar. Although we suspect that this variant may be benign, at this time, the clinical significance of this variant is uncertain due to the absence of conclusive functional and genetic evidence.